The following is an entry in ClinVar:

ClinVar aggregate classification (germline): Benign (1 of 4 stars; one submission).

Allele frequency attached by ClinVar (database versions not stated): gnomAD exomes 0.74785; gnomAD 0.79000 and 0.79652; TOPMed 0.80784; 1000 Genomes Project 0.88119; 1000 Genomes Project 30x 0.88320.
gnomAD v4.1: 1,113,412 of 1,477,268 alleles (75%); highest among the groups gnomAD compares: East Asian, 99%; 424,271 homozygotes.

Submission:

GeneDx
Classification: Benign. Last evaluated: 2018-06-13. Review status: criteria provided, single submitter. Criteria: GeneDx Variant Classification (06012015). Collection method: clinical testing. Allele origin: germline. Affected: yes.
Comment: This variant is considered likely benign or benign based on one or more of the following criteria: it is a conservative change, it occurs at a poorly conserved position in the protein, it is predicted to be benign by multiple in silico algorithms, and/or has population frequency not consistent with disease.

NM_080680.3(COL11A2):c.4015-82T>C

Gene: COL11A2 (collagen type XI alpha 2 chain; minus strand). Cytogenetic location: 6p21.32.
Variant type: single nucleotide variant.
Coding change: c.4015-82T>C on transcript NM_080680.3 (MANE Select); 82 bases into the intron before coding-DNA position 4015, T replaced by C.
Molecular consequence: intron variant.
Genome position (GRCh38, 1-based): chr6:33,167,615, A>G on the plus strand (T>C on the coding strand, the complement: COL11A2 is on the minus strand). VCF-style: chr6-33167615-A-G. GRCh37 (hg19) VCF-style: chr6-33135392-A-G.
Other names: c.3694-82T>C (NM_080679.3); c.3757-82T>C (NM_080681.3).
Identifiers: ClinVar variation 674797 (VCV000674797.1), dbSNP rs2855449, ClinGen allele CA12189104.